The following is an entry in ClinVar:

ClinVar aggregate classification (germline): Benign/Likely benign. Review status: criteria provided, multiple submitters, no conflicts (2 of 4 stars). 8 submissions from 8 submitters: Benign (1); Likely benign (7). Last evaluated 2026-08-01.

Conditions:
Cardiovascular phenotype. Identifiers: MedGen CN230736.
Catecholaminergic polymorphic ventricular tachycardia 1. Also called: RYR2-Related Catecholaminergic Polymorphic Ventricular Tachycardia; VENTRICULAR TACHYCARDIA, STRESS-INDUCED POLYMORPHIC 1; VENTRICULAR TACHYCARDIA, CATECHOLAMINERGIC POLYMORPHIC, 1, WITH OR WITHOUT ATRIAL DYSFUNCTION AND/OR DILATED CARDIOMYOPATHY. Identifiers: Orphanet 3286, MedGen C1631597, MONDO:0011484, OMIM 604772.
Cardiomyopathy (CMYO). Also called: Cardiomyopathies. Identifiers: Orphanet 167848, MedGen C0878544, MONDO:0004994, HP:0001638. Inheritance: Various modes of inheritance.

Allele frequency attached by ClinVar (database versions not stated): gnomAD exomes 0.00007 and 0.00039; gnomAD 0.00008 and 0.00009; TOPMed 0.00015; ExAC 0.00027.
gnomAD v4.1: 118 of 1,591,046 alleles (0.0074%); highest among the groups gnomAD compares: Admixed American, 0.19%; no homozygotes.

Submissions (8):

CeGaT Center for Human Genetics Tuebingen
Classification: Likely benign. Last evaluated: 2026-08-01. Review status: criteria provided, single submitter. Criteria: CeGaT Center For Human Genetics Tuebingen Variant Classification Criteria Version 2. Collection method: clinical testing. Allele origin: germline. Affected: yes. Observed: 4 variant alleles.
Comment: RYR2: BS1

Labcorp Genetics (formerly Invitae), Labcorp
Classification: Likely benign for Catecholaminergic polymorphic ventricular tachycardia 1. Last evaluated: 2025-12-16. Review status: criteria provided, single submitter. Criteria: Invitae Variant Classification Sherloc (09022015). Collection method: clinical testing. Allele origin: germline.

Mayo Clinic Laboratories, Mayo Clinic
Classification: Likely benign. Last evaluated: 2025-10-20. Review status: criteria provided, single submitter. Criteria: ACMG Guidelines, 2015. Collection method: clinical testing. Allele origin: germline. Observed: 1 variant allele.
Comment: BS1

ARUP Laboratories, Molecular Genetics and Genomics, ARUP Laboratories
Classification: Likely benign. Last evaluated: 2025-03-06. Review status: criteria provided, single submitter. Criteria: ARUP Molecular Germline Variant Investigation Process 2024. Collection method: clinical testing. Allele origin: germline.

GeneDx
Classification: Likely benign. Last evaluated: 2021-02-25. Review status: criteria provided, single submitter. Criteria: GeneDx Variant Classification Process June 2021. Collection method: clinical testing. Allele origin: germline. Affected: yes.

Ambry Genetics
Classification: Likely benign for Cardiovascular phenotype. Last evaluated: 2019-09-27. Review status: criteria provided, single submitter. Criteria: Ambry Variant Classification Scheme 2023. Collection method: clinical testing. Allele origin: germline.

Color Diagnostics, LLC DBA Color Health
Classification: Likely benign for Cardiomyopathy. Last evaluated: 2018-06-11. Review status: criteria provided, single submitter. Criteria: ACMG Guidelines, 2015. Collection method: clinical testing. Allele origin: germline.

Women's Health and Genetics/Laboratory Corporation of America, LabCorp
Classification: Benign. Last evaluated: 2016-02-23. Review status: criteria provided, single submitter. Criteria: LabCorp Variant Classification Summary - May 2015. Collection method: clinical testing. Allele origin: germline.

NM_001035.3(RYR2):c.14101A>G (p.Ile4701Val)

Gene: RYR2 (ryanodine receptor 2; plus strand). Cytogenetic location: 1q43.
Variant type: single nucleotide variant.
Coding change: c.14101A>G on transcript NM_001035.3 (MANE Select); coding-DNA position 14101, A replaced by G.
Protein change: p.Ile4701Val; replaces isoleucine 4701 with valine.
Molecular consequence: missense variant.
Genome position (GRCh38, 1-based): chr1:237,801,866, A>G. VCF-style: chr1-237801866-A-G. GRCh37 (hg19) VCF-style: chr1-237965166-A-G.
Other names: p.Ile4701Val; c.14101A>G, p.Ile4701Val (LRG_402t1); short protein forms I4701V.
Identifiers: ClinVar variation 419465 (VCV000419465.26), dbSNP rs755065507, ClinGen allele CA085582.